The following is an entry in ClinVar:

NM_001376.5(DYNC1H1):c.3020G>A (p.Gly1007Asp)

Gene: DYNC1H1 (dynein cytoplasmic 1 heavy chain 1; plus strand). Cytogenetic location: 14q32.31.
Variant type: single nucleotide variant.
Coding change: c.3020G>A on transcript NM_001376.5 (MANE Select); coding-DNA position 3020, G replaced by A.
Protein change: p.Gly1007Asp; replaces glycine 1007 with aspartic acid.
Molecular consequence: missense variant.
Genome position (GRCh38, 1-based): chr14:101,994,188, G>A. VCF-style: chr14-101994188-G-A. GRCh37 (hg19) VCF-style: chr14-102460525-G-A.
Other names: short protein forms G1007D.
Identifiers: ClinVar variation 2702206 (VCV002702206.3), dbSNP rs2503713130, ClinGen allele CA391031800.

ClinVar aggregate classification (germline): Uncertain significance (1 of 4 stars; one submission).

Conditions:
Charcot-Marie-Tooth disease axonal type 2O. Also called: Charcot-Marie-Tooth disease, axonal, type 20; CHARCOT-MARIE-TOOTH NEUROPATHY, AXONAL, TYPE 2O; CHARCOT-MARIE-TOOTH DISEASE, AXONAL, AUTOSOMAL DOMINANT, TYPE 2O; Charcot-Marie-Tooth Neuropathy Type 2O. Identifiers: Orphanet 284232, MedGen C3280220, MONDO:0013644, OMIM 614228.

Submission:

Labcorp Genetics (formerly Invitae), Labcorp
Classification: Uncertain significance for Charcot-Marie-Tooth disease axonal type 2O. Last evaluated: 2024-10-23. Review status: criteria provided, single submitter. Criteria: Invitae Variant Classification Sherloc (09022015). Collection method: clinical testing. Allele origin: germline.
Comment: This sequence change replaces glycine, which is neutral and non-polar, with aspartic acid, which is acidic and polar, at codon 1007 of the DYNC1H1 protein (p.Gly1007Asp). This variant is not present in population databases (gnomAD no frequency). This variant has not been reported in the literature in individuals affected with DYNC1H1-related conditions. Invitae Evidence Modeling of protein sequence and biophysical properties (such as structural, functional, and spatial information, amino acid conservation, physicochemical variation, residue mobility, and thermodynamic stability) has been performed for this missense variant. However, the output from this modeling did not meet the statistical confidence thresholds required to predict the impact of this variant on DYNC1H1 protein function. In summary, the available evidence is currently insufficient to determine the role of this variant in disease. Therefore, it has been classified as a Variant of Uncertain Significance.